The following is an entry in ClinVar:

ClinVar aggregate classification (germline): Uncertain significance (1 of 4 stars; one submission).

gnomAD v4.1: 1 of 1,614,120 alleles (0.000062%); highest among the groups gnomAD compares: Non-Finnish European, 0.000085%; no homozygotes.

Submission:

CeGaT Center for Human Genetics Tuebingen
Classification: Uncertain significance. Last evaluated: 2025-04-01. Review status: criteria provided, single submitter. Criteria: CeGaT Center For Human Genetics Tuebingen Variant Classification Criteria Version 2. Collection method: clinical testing. Allele origin: germline. Affected: yes. Observed: 1 variant allele.
Comment: WASHC5: PM2

NM_014846.4(WASHC5):c.2543A>G (p.Asp848Gly)

Genes: WASHC5 (WASH complex subunit 5; minus strand), WASHC5-AS1 (WASHC5 antisense RNA 1; plus strand). Cytogenetic location: 8q24.13.
Variant type: single nucleotide variant.
Coding change: c.2543A>G on transcript NM_014846.4 (MANE Select); coding-DNA position 2543, A replaced by G.
Protein change: p.Asp848Gly; replaces aspartic acid 848 with glycine.
Molecular consequence: missense variant. On other transcripts: non-coding transcript variant (1).
Genome position (GRCh38, 1-based): chr8:125,044,660, T>C on the plus strand (A>G on the coding strand, the complement: WASHC5 is on the minus strand). VCF-style: chr8-125044660-T-C. GRCh37 (hg19) VCF-style: chr8-126056902-T-C.
Other names: c.2099A>G, p.Asp700Gly (NM_001330609.2); short protein forms D700G, D848G.
Identifiers: ClinVar variation 3898725 (VCV003898725.7).